The following is an entry in ClinVar:

ClinVar aggregate classification (germline): Pathogenic (1 of 4 stars; one submission).

Conditions:
Sessile serrated polyposis cancer syndrome (SSPCS). Identifiers: Orphanet 157798, MedGen C4310714, MONDO:0014919, OMIM 617108.

Submission:

Myriad Genetics, Inc.
Classification: Pathogenic for Sessile serrated polyposis cancer syndrome. Last evaluated: 2025-12-15. Review status: criteria provided, single submitter. Criteria: Myriad Autosomal Dominant, Autosomal Recessive and X-Linked Classification Criteria (2023). Collection method: clinical testing. Allele origin: unknown.
Comment: This variant is considered pathogenic. This variant creates a frameshift predicted to result in premature protein truncation.

NM_017763.6(RNF43):c.1308_1449del (p.Arg437fs)

Gene: RNF43 (ring finger protein 43; minus strand). Cytogenetic location: 17q22.
Variant type: Deletion.
Coding change: c.1308_1449del on transcript NM_017763.6 (MANE Select); coding-DNA positions 1308 to 1449, 142 bases deleted.
Protein change: p.Arg437fs; shifts the reading frame from arginine 437.
Molecular consequence: frameshift variant.
Genome position (GRCh38, 1-based): chr17:58,358,327-58,358,468, 142 bases deleted. GRCh37 (hg19): chr17:56,435,691-56,435,832.
Other names: c.1308_1449del, p.Arg437fs (NM_001305544.3, NM_001438820.1, NM_001438821.1 and 1 more transcripts); c.927_1068del, p.Arg310fs (NM_001305545.2, NM_001437987.1); short protein forms R310fs, R437fs.
Identifiers: ClinVar variation 4812964 (VCV004812964.1).